The following is an entry in ClinVar:

NM_024642.5(GALNT12):c.83T>G (p.Leu28Arg)

Genes: GALNT12 (polypeptide N-acetylgalactosaminyltransferase 12; plus strand), LOC130002222 (ATAC-STARR-seq lymphoblastoid silent region 20123; plus strand). Cytogenetic location: 9q22.33.
Variant type: single nucleotide variant.
Coding change: c.83T>G on transcript NM_024642.5 (MANE Select); coding-DNA position 83, T replaced by G.
Protein change: p.Leu28Arg; replaces leucine 28 with arginine.
Molecular consequence: missense variant.
Genome position (GRCh38, 1-based): chr9:98,807,781, T>G. VCF-style: chr9-98807781-T-G. GRCh37 (hg19) VCF-style: chr9-101570063-T-G.
Other names: short protein forms L28R.
Identifiers: ClinVar variation 2566268 (VCV002566268.2), dbSNP rs2490454955, ClinGen allele CA374222218.

ClinVar aggregate classification (germline): Uncertain significance (1 of 4 stars; one submission).

Allele frequency attached by ClinVar (database versions not stated): gnomAD exomes 0.00001.
gnomAD v4.1: 1 of 1,146,128 alleles (0.000087%); highest among the groups gnomAD compares: Non-Finnish European, 0.00011%; no homozygotes.

Submission:

Ambry Genetics
Classification: Uncertain significance. Last evaluated: 2023-05-18. Review status: criteria provided, single submitter. Criteria: Ambry Variant Classification Scheme 2023. Collection method: clinical testing. Allele origin: germline.
Comment: The p.L28R variant (also known as c.83T>G), located in coding exon 1 of the GALNT12 gene, results from a T to G substitution at nucleotide position 83. The leucine at codon 28 is replaced by arginine, an amino acid with dissimilar properties. This amino acid position is conserved. In addition, this alteration is predicted to be tolerated by in silico analysis. Since supporting evidence is limited at this time, the clinical significance of this alteration remains unclear.